The following is an entry in ClinVar:

NM_000455.5(STK11):c.734+1G>T

Gene: STK11 (serine/threonine kinase 11; plus strand). Cytogenetic location: 19p13.3.
Variant type: single nucleotide variant.
Coding change: c.734+1G>T on transcript NM_000455.5 (MANE Select); the canonical splice donor site of the intron after coding-DNA position 734, G replaced by T.
Molecular consequence: splice donor variant.
Genome position (GRCh38, 1-based): chr19:1,220,718, G>T. VCF-style: chr19-1220718-G-T. GRCh37 (hg19) VCF-style: chr19-1220717-G-T.
Other names: c.734+1G>T (NM_001407255.1).
Identifiers: ClinVar variation 141795 (VCV000141795.15), dbSNP rs587782018, ClinGen allele CA023257.
Genomic context (GRCh38, chr19:1,220,718, plus strand): 5'-CAACGGCCTGGACACCTTCTCCGGCTTCAAGGTGGACATCTGGTCGGCTGGGGTCACCCT[G>T]TAAGTGCCCCGCCCCCCCGGGCACTCACCACACGCACACTCCGAGGGGCCTCTGCGTCTT-3'

ClinVar aggregate classification (germline): Pathogenic/Likely pathogenic. Review status: criteria provided, multiple submitters, no conflicts (2 of 4 stars). 3 submissions from 3 submitters: Pathogenic (2); Likely pathogenic (1). Last evaluated 2024-02-12.
ClinVar aggregate classification (oncogenicity): Likely oncogenic (1 of 4 stars; one submission).

Conditions:
Hereditary cancer-predisposing syndrome. Also called: Neoplastic Syndromes, Hereditary; Hereditary Cancer Syndrome; Hereditary neoplastic syndrome; Tumor predisposition. Identifiers: Orphanet 140162, MedGen C0027672, MeSH D009386, MONDO:0015356.
Peutz-Jeghers syndrome (PJS). Also called: Peutz-Jeghers polyposis; Periorificial lentiginosis syndrome; POLYPOSIS, HAMARTOMATOUS INTESTINAL; POLYPS-AND-SPOTS SYNDROME. Identifiers: Orphanet 2869, MedGen C0031269, MeSH D010580, MONDO:0008280, OMIM 175200.
Neoplasm. Also called: tumor; Neoplasms; Neoplasm (disease). Identifiers: MedGen C0027651, MeSH D009369, MONDO:0005070, HP:0002664.

Submissions (5):

Center for Genomic Medicine, Rigshospitalet, Copenhagen University Hospital
Classification: Likely oncogenic for Neoplasm. Last evaluated: 2025-03-04. Review status: criteria provided, single submitter. Criteria: ClinGen/CGC/VICC Guidelines for Oncogenicity, 2022. Collection method: clinical testing. Allele origin: somatic. Affected: yes.

Myriad Genetics, Inc.
Classification: Likely pathogenic for Peutz-Jeghers syndrome. Last evaluated: 2024-02-12. Review status: criteria provided, single submitter. Criteria: Myriad Autosomal Dominant, Autosomal Recessive and X-Linked Classification Criteria (2023). Collection method: clinical testing. Allele origin: unknown.
Comment: This variant is considered likely pathogenic. This variant occurs within a consensus splice junction and is predicted to result in abnormal mRNA splicing of either an out-of-frame exon or an in-frame exon necessary for protein stability and/or normal function.

Labcorp Genetics (formerly Invitae), Labcorp
Classification: Pathogenic for Peutz-Jeghers syndrome. Last evaluated: 2020-12-06. Review status: criteria provided, single submitter. Criteria: Invitae Variant Classification Sherloc (09022015). Collection method: clinical testing. Allele origin: germline.
Comment: For these reasons, this variant has been classified as Pathogenic. This sequence change affects a donor splice site in intron 5 of the STK11 gene. It is expected to disrupt RNA splicing. Variants that disrupt the donor or acceptor splice site typically lead to a loss of protein function (PMID: 16199547), and loss-of-function variants in STK11 are known to be pathogenic (PMID: 15188174, 16287113). This variant is not present in population databases (ExAC no frequency). Disruption of this splice site has been observed in individual(s) with Peutz-Jeghers syndrome (PMID: 11389158, 24652667). ClinVar contains an entry for this variant (Variation ID: 141795). Algorithms developed to predict the effect of sequence changes on RNA splicing suggest that this variant may disrupt the consensus splice site, but this prediction has not been confirmed by published transcriptional studies.

Ambry Genetics
Classification: Pathogenic for Hereditary cancer-predisposing syndrome. Last evaluated: 2017-07-14. Review status: criteria provided, single submitter. Criteria: Ambry Variant Classification Scheme 2023. Collection method: clinical testing. Allele origin: germline.
Comment: The c.734+1G>T intronic pathogenic mutation results from a G to T substitution one nucleotide after coding exon 5 of the STK11 gene. This nucleotide position is highly conserved in available vertebrate species. Using the BDGP and ESEfinder splice site prediction tools, this alteration is predicted to abolish the native splice donor site; however, direct evidence is unavailable. Alterations that disrupt the canonical splice site are expected to cause aberrant splicing, resulting in an abnormal protein or a transcript that is subject to nonsense-mediated mRNA decay. As such, this alteration is classified as a disease-causing mutation.

Dr. Peter K. Rogan Lab, Western University
No classification provided (evidence only). Condition: Lung cancer. Review status: no classification provided. Collection method: in vitro. Allele origin: not applicable. Functional consequence: retained intron. Not counted in ClinVar's aggregate classification.

Literature cited by the submitters: PubMed 11389158 (cited by Center for Genomic Medicine, Rigshospitalet, Copenhagen University Hospital and Labcorp Genetics (formerly Invitae), Labcorp); PubMed 24652667 (cited by Center for Genomic Medicine, Rigshospitalet, Copenhagen University Hospital and Labcorp Genetics (formerly Invitae), Labcorp); PubMed 16199547 (cited by Labcorp Genetics (formerly Invitae), Labcorp); PubMed 15188174 (cited by Labcorp Genetics (formerly Invitae), Labcorp); PubMed 16287113 (cited by Labcorp Genetics (formerly Invitae), Labcorp).